The following is an entry in ClinVar:

NM_001276270.2(MBD4):c.1389C>T (p.Thr463=)

Gene: MBD4 (methyl-CpG binding domain 4, DNA glycosylase; minus strand). Cytogenetic location: 3q21.3.
Variant type: single nucleotide variant.
Coding change: c.1389C>T on transcript NM_001276270.2 (MANE Select); coding-DNA position 1389, C replaced by T.
Protein change: p.Thr463=; no amino-acid change (threonine 463 retained).
Molecular consequence: synonymous variant.
Genome position (GRCh38, 1-based): chr3:129,433,854, G>A on the plus strand (C>T on the coding strand, the complement: MBD4 is on the minus strand). VCF-style: chr3-129433854-G-A. GRCh37 (hg19) VCF-style: chr3-129152697-G-A.
Other names: c.1407C>T, p.Thr469= (NM_001276271.2, NM_001276272.2, NM_003925.3); c.453C>T, p.Thr151= (NM_001276273.2).
Identifiers: ClinVar variation 4052231 (VCV004052231.2).

ClinVar aggregate classification (germline): Benign/Likely benign. Review status: criteria provided, multiple submitters, no conflicts (2 of 4 stars). 2 submissions from 2 submitters: Benign (1); Likely benign (1). Last evaluated 2026-06-11.

Conditions:
Tumor predisposition syndrome 2 (TPDS2). Also called: MBD4-ASSOCIATED NEOPLASIA SYNDROME; MBD4-Related Tumor Predisposition Syndrome; MBD4-associated neoplasia syndrome (MANS). Identifiers: Orphanet 661526, MedGen C5774186, MONDO:0859267, OMIM 619975.
Inborn genetic diseases. Identifiers: MedGen C0950123, MeSH D030342.

Submissions (2):

Myriad Genetics, Inc.
Classification: Benign for Tumor predisposition syndrome 2. Last evaluated: 2026-06-11. Review status: criteria provided, single submitter. Criteria: Myriad Autosomal Dominant, Autosomal Recessive and X-Linked Classification Criteria (2023). Collection method: clinical testing. Allele origin: unknown.
Comment: This variant is considered benign. This variant is a silent/synonymous amino acid change and it is not expected to impact splicing.

Ambry Genetics
Classification: Likely benign for Inborn genetic diseases. Last evaluated: 2025-05-16. Review status: criteria provided, single submitter. Criteria: Ambry Variant Classification Scheme 2023. Collection method: clinical testing. Allele origin: germline.